The following is an entry in ClinVar:

NM_000836.4(GRIN2D):c.387C>A (p.Ile129=)

Genes: GRIN2D (glutamate ionotropic receptor NMDA type subunit 2D; plus strand), LOC130064856 (ATAC-STARR-seq lymphoblastoid silent region 10880; plus strand). Cytogenetic location: 19q13.33.
Variant type: single nucleotide variant.
Coding change: c.387C>A on transcript NM_000836.4 (MANE Select); coding-DNA position 387, C replaced by A.
Protein change: p.Ile129=; no amino-acid change (isoleucine 129 retained).
Molecular consequence: synonymous variant.
Genome position (GRCh38, 1-based): chr19:48,398,779, C>A. VCF-style: chr19-48398779-C-A. GRCh37 (hg19) VCF-style: chr19-48902036-C-A.
Identifiers: ClinVar variation 1601080 (VCV001601080.10), dbSNP rs746859578, ClinGen allele CA9550326.
Genomic context (GRCh38, chr19:48,398,779, plus strand): 5'-GTTGCGCGTGCACGGCGTGGTCTTCGAAGACGACTCGCGCGCGCCCGCCGTCGCGCCCAT[C>A]CTCGACTTCCTGTCGGCGCAGACCTCGCTGCCCATCGTGGCCGTGCACGGCGGCGCCGCG-3'
Protein context (NP_000827.2, residues 119-139): DDSRAPAVAP[Ile129=]LDFLSAQTSL

ClinVar aggregate classification (germline): Benign/Likely benign. Review status: criteria provided, multiple submitters, no conflicts (2 of 4 stars). 3 submissions from 3 submitters: Benign (1); Likely benign (2). Last evaluated 2026-09-01.

Allele frequency attached by ClinVar (database versions not stated): gnomAD exomes 0.00004 and 0.00008; 1000 Genomes Project 30x 0.00016; gnomAD 0.00028 and 0.00031; TOPMed 0.00037.
gnomAD v4.1: 90 of 1,461,352 alleles (0.0062%); highest among the groups gnomAD compares: African/African-American, 0.11%; no homozygotes.

Submissions (3):

CeGaT Center for Human Genetics Tuebingen
Classification: Likely benign. Last evaluated: 2026-09-01. Review status: criteria provided, single submitter. Criteria: CeGaT Center For Human Genetics Tuebingen Variant Classification Criteria Version 2. Collection method: clinical testing. Allele origin: germline. Affected: yes. Observed: 1 variant allele.
Comment: GRIN2D: BP4, BP7, BS1

Women's Health and Genetics/Laboratory Corporation of America, LabCorp
Classification: Likely benign. Last evaluated: 2026-06-17. Review status: criteria provided, single submitter. Criteria: LabCorp Variant Classification Summary - May 2015. Collection method: clinical testing. Allele origin: germline.

Labcorp Genetics (formerly Invitae), Labcorp
Classification: Benign. Last evaluated: 2026-02-03. Review status: criteria provided, single submitter. Criteria: Invitae Variant Classification Sherloc (09022015). Collection method: clinical testing. Allele origin: germline.